The following is an entry in ClinVar:

ClinVar aggregate classification (germline): Likely benign. Review status: criteria provided, multiple submitters, no conflicts (2 of 4 stars). 2 submissions from 2 submitters: Likely benign (2). Last evaluated 2026-07-01.

Allele frequency attached by ClinVar (database versions not stated): gnomAD exomes 0.00001; TOPMed 0.00001.
gnomAD v4.1: 2 of 1,341,774 alleles (0.00015%); highest among the groups gnomAD compares: Admixed American, 0.0035%; no homozygotes.

Submissions (2):

CeGaT Center for Human Genetics Tuebingen
Classification: Likely benign. Last evaluated: 2026-07-01. Review status: criteria provided, single submitter. Criteria: CeGaT Center For Human Genetics Tuebingen Variant Classification Criteria Version 2. Collection method: clinical testing. Allele origin: germline. Affected: yes. Observed: 1 variant allele.
Comment: GRIN2D: BP4, BP7

Labcorp Genetics (formerly Invitae), Labcorp
Classification: Likely benign. Last evaluated: 2022-03-01. Review status: criteria provided, single submitter. Criteria: Invitae Variant Classification Sherloc (09022015). Collection method: clinical testing. Allele origin: germline.

NM_000836.4(GRIN2D):c.3594G>A (p.Ser1198=)

Gene: GRIN2D (glutamate ionotropic receptor NMDA type subunit 2D; plus strand). Cytogenetic location: 19q13.33.
Variant type: single nucleotide variant.
Coding change: c.3594G>A on transcript NM_000836.4 (MANE Select); coding-DNA position 3594, G replaced by A.
Protein change: p.Ser1198=; no amino-acid change (serine 1198 retained).
Molecular consequence: synonymous variant.
Genome position (GRCh38, 1-based): chr19:48,443,520, G>A. VCF-style: chr19-48443520-G-A. GRCh37 (hg19) VCF-style: chr19-48946777-G-A.
Identifiers: ClinVar variation 1968711 (VCV001968711.6), dbSNP rs950484807, ClinGen allele CA309299419.